The following is an entry in ClinVar:

ClinVar aggregate classification (germline): Uncertain significance. Review status: criteria provided, multiple submitters, no conflicts (2 of 4 stars). 4 submissions from 4 submitters: Uncertain significance (4). Last evaluated 2025-12-24.

Conditions:
Inborn genetic diseases. Identifiers: MedGen C0950123, MeSH D030342.
Immunodeficiency, common variable, 10. Also called: IMMUNODEFICIENCY, COMMON VARIABLE, WITH CENTRAL ADRENAL INSUFFICIENCY; DEFICIT IN ANTERIOR PITUITARY FUNCTION AND VARIABLE IMMUNODEFICIENCY. Identifiers: MedGen C3809991, MONDO:0014260, OMIM 615577.

Allele frequency attached by ClinVar (database versions not stated): gnomAD exomes 0.00002 and 0.00006; gnomAD 0.00003 and 0.00004; TOPMed 0.00003; ESP Exome Variant Server 0.00008; ExAC 0.00010.
gnomAD v4.1: 88 of 1,552,060 alleles (0.0057%); highest among the groups gnomAD compares: Non-Finnish European, 0.0071%; no homozygotes.

Submissions (4):

Labcorp Genetics (formerly Invitae), Labcorp
Classification: Uncertain significance for Immunodeficiency, common variable, 10. Last evaluated: 2025-12-24. Review status: criteria provided, single submitter. Criteria: Invitae Variant Classification Sherloc (09022015). Collection method: clinical testing. Allele origin: germline.
Comment: This sequence change replaces alanine, which is neutral and non-polar, with glycine, which is neutral and non-polar, at codon 860 of the NFKB2 protein (p.Ala860Gly). This variant is present in population databases (rs371190206, gnomAD 0.003%). This variant has not been reported in the literature in individuals affected with NFKB2-related conditions. ClinVar contains an entry for this variant (Variation ID: 474784). An algorithm developed to predict the effect of missense changes on protein structure and function (PolyPhen-2) suggests that this variant is likely to be tolerated. In summary, the available evidence is currently insufficient to determine the role of this variant in disease. Therefore, it has been classified as a Variant of Uncertain Significance.

Ambry Genetics
Classification: Uncertain significance for Inborn genetic diseases. Last evaluated: 2025-05-27. Review status: criteria provided, single submitter. Criteria: Ambry Variant Classification Scheme 2023. Collection method: clinical testing. Allele origin: germline.

HudsonAlpha Institute for Biotechnology
Classification: Uncertain significance for Immunodeficiency, common variable, 10. Last evaluated: 2024-12-16. Review status: criteria provided, single submitter. Criteria: ACMG Guidelines, 2015. Collection method: research. Allele origin: paternal. Affected: yes. Observed: 1 variant allele. Study: AGHI-WGS-HudsonAlpha.

Baylor Genetics
Classification: Uncertain significance for Immunodeficiency, common variable, 10. Last evaluated: 2020-01-16. Review status: criteria provided, single submitter. Criteria: ACMG Guidelines, 2015. Collection method: clinical testing. Allele origin: unknown. Affected: yes.
Comment: This variant was determined to be of uncertain significance according to ACMG Guidelines, 2015 [PMID:25741868].

NM_001322934.2(NFKB2):c.2579C>G (p.Ala860Gly)

Gene: NFKB2 (nuclear factor kappa B subunit 2; plus strand). Cytogenetic location: 10q24.32.
Variant type: single nucleotide variant.
Coding change: c.2579C>G on transcript NM_001322934.2 (MANE Select); coding-DNA position 2579, C replaced by G.
Protein change: p.Ala860Gly; replaces alanine 860 with glycine.
Molecular consequence: missense variant. On other transcripts: intron variant (3).
Genome position (GRCh38, 1-based): chr10:102,402,252, C>G. VCF-style: chr10-102402252-C-G. GRCh37 (hg19) VCF-style: chr10-104162009-C-G.
Other names: c.2579C>G, p.Ala860Gly (NM_001077494.3, LRG_1347t1); c.2453C>G, p.Ala818Gly (NM_001322935.1); c.2579-3C>G (NM_001288724.1, NM_001261403.3, NM_002502.6); c.2579C>G (NM_001077494.1); short protein forms A860G, A818G.
Identifiers: ClinVar variation 474784 (VCV000474784.9), dbSNP rs371190206, ClinGen allele CA5665133.